The following is an entry in ClinVar:

NM_000492.4(CFTR):c.3398_3399del (p.Leu1133fs)

Genes: CFTR (CF transmembrane conductance regulator; plus strand), CFTR-AS2 (CFTR antisense RNA 2; minus strand). Cytogenetic location: 7q31.2.
Variant type: Deletion.
Coding change: c.3398_3399del on transcript NM_000492.4 (MANE Select); coding-DNA positions 3398 to 3399, 2 bases deleted (TG; older notation c.3398_3399delTG).
Protein change: p.Leu1133fs; shifts the reading frame from leucine 1133.
Molecular consequence: frameshift variant.
Genome position (GRCh38, 1-based): chr7:117,614,643-117,614,644, TG deleted. VCF-style (leftmost placement, unchanged base first): chr7-117614642-CTG-C. GRCh37 (hg19) VCF-style: chr7-117254696-CTG-C.
Other names: short protein forms L1133fs.
Identifiers: ClinVar variation 1724310 (VCV001724310.2), dbSNP rs2485133934, ClinGen allele CA2580076398.

ClinVar aggregate classification (germline): Likely pathogenic (1 of 4 stars; one submission).

Conditions:
Cystic fibrosis (CF). Also called: MUCOVISCIDOSIS. Identifiers: Orphanet 586, MedGen C0010674, MONDO:0009061, OMIM 219700. Disease mechanism: loss of function.

Submission:

Myriad Genetics, Inc.
Classification: Likely pathogenic for Cystic fibrosis. Last evaluated: 2022-02-05. Review status: criteria provided, single submitter. Criteria: Myriad Women's Health Autosomal Recessive and X-Linked Classification Criteria (2021). Collection method: clinical testing. Allele origin: unknown.
Comment: NM_000492.3(CFTR):c.3398_3399delTG(L1133Hfs*22) is expected to be pathogenic in the context of cystic fibrosis. This variant is predicted to lead to an abnormal or absent protein product due to the creation of a premature termination codon in CFTR, a gene where loss-of-function variants are known to be pathogenic. Please note: this variant was assessed in the context of healthy population screening.